The following is an entry in ClinVar:

NM_001291303.3(FAT4):c.6028A>G (p.Ser2010Gly)

Gene: FAT4 (FAT atypical cadherin 4; plus strand). Cytogenetic location: 4q28.1.
Variant type: single nucleotide variant.
Coding change: c.6028A>G on transcript NM_001291303.3 (MANE Select); coding-DNA position 6028, A replaced by G.
Protein change: p.Ser2010Gly; replaces serine 2010 with glycine.
Molecular consequence: missense variant.
Genome position (GRCh38, 1-based): chr4:125,414,991, A>G. VCF-style: chr4-125414991-A-G. GRCh37 (hg19) VCF-style: chr4-126336146-A-G.
Other names: c.6028A>G (NM_024582.5); c.6028A>G, p.Ser2010Gly (NM_001291285.3, NM_024582.6); short protein forms S2010G.
Identifiers: ClinVar variation 3589975 (VCV003589975.3).

ClinVar aggregate classification (germline): Uncertain significance. Review status: criteria provided, multiple submitters, no conflicts (2 of 4 stars). 2 submissions from 2 submitters: Uncertain significance (2). Last evaluated 2024-11-04.

Conditions:
Hennekam lymphangiectasia-lymphedema syndrome 2 (HKLLS2). Identifiers: Orphanet 2136, MedGen C4014939, MONDO:0014454, OMIM 616006.
Van Maldergem syndrome 2 (VMLDS2). Identifiers: Orphanet 314679, MedGen C3809875, MONDO:0014242, OMIM 615546.

gnomAD v4.1: 1 of 1,613,942 alleles (0.000062%); highest among the groups gnomAD compares: African/African-American, 0.0013%; no homozygotes.

Submissions (2):

Labcorp Genetics (formerly Invitae), Labcorp
Classification: Uncertain significance. Last evaluated: 2024-11-04. Review status: criteria provided, single submitter. Criteria: Invitae Variant Classification Sherloc (09022015). Collection method: clinical testing. Allele origin: germline.
Comment: This sequence change replaces serine, which is neutral and polar, with glycine, which is neutral and non-polar, at codon 2010 of the FAT4 protein (p.Ser2010Gly). This variant is present in population databases (no rsID available, gnomAD 0.007%). This variant has not been reported in the literature in individuals affected with FAT4-related conditions. Invitae Evidence Modeling of protein sequence and biophysical properties (such as structural, functional, and spatial information, amino acid conservation, physicochemical variation, residue mobility, and thermodynamic stability) indicates that this missense variant is not expected to disrupt FAT4 protein function with a negative predictive value of 80%. Algorithms developed to predict the effect of sequence changes on RNA splicing suggest that this variant may create or strengthen a splice site. In summary, the available evidence is currently insufficient to determine the role of this variant in disease. Therefore, it has been classified as a Variant of Uncertain Significance.

Fulgent Genetics
Classification: Uncertain significance for Van Maldergem syndrome 2; Hennekam lymphangiectasia-lymphedema syndrome 2. Last evaluated: 2024-01-20. Review status: criteria provided, single submitter. Criteria: ACMG Guidelines, 2015. Collection method: clinical testing. Allele origin: germline.